The following is an entry in ClinVar:

ClinVar aggregate classification (germline): Likely benign. Review status: criteria provided, multiple submitters, no conflicts (2 of 4 stars). 2 submissions from 2 submitters: Likely benign (2). Last evaluated 2026-06-11.

Conditions:
SNAP25-related disorder.
Congenital myasthenic syndrome 18. Also called: MYASTHENIC SYNDROME, CONGENITAL, 18, WITH INTELLECTUAL DISABILITY AND ATAXIA. Identifiers: Orphanet 590, MedGen C4225364, MONDO:0014590, OMIM 616330.

Allele frequency attached by ClinVar (database versions not stated): 1000 Genomes Project 0.00040; 1000 Genomes Project 30x 0.00047.
gnomAD v4.1: 33 of 1,613,178 alleles (0.002%); highest among the groups gnomAD compares: East Asian, 0.038%; no homozygotes.

Submissions (2):

PreventionGenetics, part of Exact Sciences
Classification: Likely benign for SNAP25-related condition. Last evaluated: 2026-06-11. Review status: criteria provided, single submitter. Criteria: ACMG Guidelines, 2015. Collection method: clinical testing. Allele origin: germline.
Comment: This variant is classified as likely benign based on ACMG/AMP sequence variant interpretation guidelines (Richards et al. 2015 PMID: 25741868, with internal and published modifications).

Labcorp Genetics (formerly Invitae), Labcorp
Classification: Likely benign for Congenital myasthenic syndrome 18. Last evaluated: 2025-08-31. Review status: criteria provided, single submitter. Criteria: Invitae Variant Classification Sherloc (09022015). Collection method: clinical testing. Allele origin: germline.

NM_130811.4(SNAP25):c.75G>A (p.Ser25=)

Gene: SNAP25 (synaptosome associated protein 25; plus strand). Cytogenetic location: 20p12.2.
Variant type: single nucleotide variant.
Coding change: c.75G>A on transcript NM_130811.4 (MANE Select); coding-DNA position 75, G replaced by A.
Protein change: p.Ser25=; no amino-acid change (serine 25 retained).
Molecular consequence: synonymous variant.
Genome position (GRCh38, 1-based): chr20:10,277,687, G>A. VCF-style: chr20-10277687-G-A. GRCh37 (hg19) VCF-style: chr20-10258335-G-A.
Other names: c.75G>A, p.Ser25= (NM_001322902.2, NM_001322903.2, NM_001322904.2 and 7 more transcripts); c.75G>A (NM_130811.3).
Identifiers: ClinVar variation 1419830 (VCV001419830.9), dbSNP rs147866099, ClinGen allele CA9763267.
Genomic context (GRCh38, chr20:10,277,687, plus strand): 5'-CAAGATCTCTGGATCCTGCACTCATAAAGTTTATGTTTGTTTGTTTTTTAAATCTTAGTC[G>A]CTGGAAAGCACCCGTCGTATGCTGCAACTGGTTGAAGAGGTAAGAAGTGACAGTATTTTA-3'
Protein context (NP_570824.1, residues 15-35): QRRADQLADE[Ser25=]LESTRRMLQL